The following is an entry in ClinVar:

NM_001256545.2(MEGF10):c.418G>A (p.Asp140Asn)

Gene: MEGF10 (multiple EGF like domains 10; plus strand). Cytogenetic location: 5q23.2.
Variant type: single nucleotide variant.
Coding change: c.418G>A on transcript NM_001256545.2 (MANE Select); coding-DNA position 418, G replaced by A.
Protein change: p.Asp140Asn; replaces aspartic acid 140 with asparagine.
Molecular consequence: missense variant.
Genome position (GRCh38, 1-based): chr5:127,396,537, G>A. VCF-style: chr5-127396537-G-A. GRCh37 (hg19) VCF-style: chr5-126732229-G-A.
Other names: c.418G>A, p.Asp140Asn (NM_001308119.2, NM_001308121.2, NM_032446.3); short protein forms D140N.
Identifiers: ClinVar variation 906425 (VCV000906425.7), dbSNP rs750650046, ClinGen allele CA3391283.

ClinVar aggregate classification (germline): Uncertain significance. Review status: criteria provided, multiple submitters, no conflicts (2 of 4 stars). 3 submissions from 3 submitters: Uncertain significance (3). Last evaluated 2024-06-04.

Conditions:
MEGF10-related myopathy (CMYO10A). Also called: Congenital myopathy 10A, severe variant. Identifiers: Orphanet 439212, MedGen C3280679, MONDO:0013731, OMIM 614399.
Inborn genetic diseases. Identifiers: MedGen C0950123, MeSH D030342.

Allele frequency attached by ClinVar (database versions not stated): gnomAD exomes 0.00001 and 0.00004; TOPMed 0.00001; gnomAD 0.00002; ExAC 0.00004.

Submissions (3):

Ambry Genetics
Classification: Uncertain significance for Inborn genetic diseases. Last evaluated: 2024-06-04. Review status: criteria provided, single submitter. Criteria: Ambry Variant Classification Scheme 2023. Collection method: clinical testing. Allele origin: germline.

Labcorp Genetics (formerly Invitae), Labcorp
Classification: Uncertain significance for MEGF10-related myopathy. Last evaluated: 2022-07-21. Review status: criteria provided, single submitter. Criteria: Invitae Variant Classification Sherloc (09022015). Collection method: clinical testing. Allele origin: germline.
Comment: This sequence change replaces aspartic acid, which is acidic and polar, with asparagine, which is neutral and polar, at codon 140 of the MEGF10 protein (p.Asp140Asn). The frequency data for this variant in the population databases is considered unreliable, as metrics indicate poor data quality at this position in the gnomAD database. This variant has not been reported in the literature in individuals affected with MEGF10-related conditions. ClinVar contains an entry for this variant (Variation ID: 906425). Algorithms developed to predict the effect of missense changes on protein structure and function are either unavailable or do not agree on the potential impact of this missense change (SIFT: "Deleterious"; PolyPhen-2: "Probably Damaging"; Align-GVGD: "Class C15"). In summary, the available evidence is currently insufficient to determine the role of this variant in disease. Therefore, it has been classified as a Variant of Uncertain Significance.

Illumina Laboratory Services, Illumina
Classification: Uncertain significance for MEGF10-related myopathy. Last evaluated: 2018-01-13. Review status: criteria provided, single submitter. Criteria: ICSL Variant Classification Criteria 13 December 2019. Collection method: clinical testing. Allele origin: germline.